The following is an entry in ClinVar:

ClinVar aggregate classification (germline): Uncertain significance (1 of 4 stars; one submission).

Conditions:
Familial thoracic aortic aneurysm and aortic dissection (TAAD). Also called: Thoracic aortic aneurysms and dissections. Identifiers: Orphanet 91387, MedGen C4707243, MONDO:0019625.

Submission:

Color Diagnostics, LLC DBA Color Health
Classification: Uncertain significance for Familial thoracic aortic aneurysm and aortic dissection. Last evaluated: 2024-02-18. Review status: criteria provided, single submitter. Criteria: ACMG Guidelines, 2015. Collection method: clinical testing. Allele origin: germline.
Comment: This missense variant replaces serine with threonine at codon 110 of the FBN1 protein. Computational prediction suggests that this variant may not impact protein structure and function (internally defined REVEL score threshold <= 0.5, PMID: 27666373). To our knowledge, functional studies have not been reported for this variant. This variant has not been reported in individuals affected with FBN1-related disorders in the literature. This variant has not been identified in the general population by the Genome Aggregation Database (gnomAD). The available evidence is insufficient to determine the role of this variant in disease conclusively. Therefore, this variant is classified as a Variant of Uncertain Significance.

NM_000138.5(FBN1):c.328T>A (p.Ser110Thr)

Gene: FBN1 (fibrillin 1; minus strand). Cytogenetic location: 15q21.1.
Variant type: single nucleotide variant.
Coding change: c.328T>A on transcript NM_000138.5 (MANE Select); coding-DNA position 328, T replaced by A.
Protein change: p.Ser110Thr; replaces serine 110 with threonine.
Molecular consequence: missense variant.
Genome position (GRCh38, 1-based): chr15:48,610,746, A>T on the plus strand (T>A on the coding strand, the complement: FBN1 is on the minus strand). VCF-style: chr15-48610746-A-T. GRCh37 (hg19) VCF-style: chr15-48902943-A-T.
Other names: c.328T>A, p.Ser110Thr (NM_001406716.1, NM_001406717.1); short protein forms S110T.
Identifiers: ClinVar variation 3894485 (VCV003894485.1).